The following is an entry in ClinVar:

NM_015450.3(POT1):c.1595-4_1595-3del

Gene: POT1 (protection of telomeres 1; minus strand). Cytogenetic location: 7q31.33.
Variant type: Deletion.
Coding change: c.1595-4_1595-3del on transcript NM_015450.3 (MANE Select); 4 bases into the intron before coding-DNA position 1595 through 3 bases into the intron before coding-DNA position 1595, 2 bases deleted (CT; older notation c.1595-4_1595-3delCT).
Molecular consequence: intron variant.
Genome position (GRCh38, 1-based): chr7:124,827,308-124,827,309, AG deleted on the plus strand (CT on the coding strand, the reverse complement: POT1 is on the minus strand). VCF-style (leftmost placement, unchanged base first): chr7-124827307-TAG-T. GRCh37 (hg19) VCF-style: chr7-124467361-TAG-T.
Other names: c.1202-4_1202-3del (NM_001042594.2).
Identifiers: ClinVar variation 1775993 (VCV001775993.2), dbSNP rs2485345617, ClinGen allele CA2580076434.

ClinVar aggregate classification (germline): Uncertain significance (1 of 4 stars; one submission).

Conditions:
Hereditary cancer-predisposing syndrome. Also called: Neoplastic Syndromes, Hereditary; Tumor predisposition; Hereditary Cancer Syndrome; Hereditary neoplastic syndrome. Identifiers: Orphanet 140162, MedGen C0027672, MeSH D009386, MONDO:0015356.

Submission:

Ambry Genetics
Classification: Uncertain significance for Hereditary cancer-predisposing syndrome. Last evaluated: 2022-06-06. Review status: criteria provided, single submitter. Criteria: Ambry Variant Classification Scheme 2023. Collection method: clinical testing. Allele origin: germline.
Comment: The c.1595-4_1595-3delCT intronic variant, located in intron 12 of the POT1 gene, results from a deletion of two nucleotides within intron 12 of the POT1 gene. This nucleotide region is not well conserved in available vertebrate species. In silico splice site analysis predicts that this alteration will not have any significant effect on splicing. Since supporting evidence is limited at this time, the clinical significance of this alteration remains unclear.